The following is an entry in ClinVar:

NM_000429.3(MAT1A):c.337C>G (p.Gln113Glu)

Gene: MAT1A (methionine adenosyltransferase 1A; minus strand). Cytogenetic location: 10q22.3.
Variant type: single nucleotide variant.
Coding change: c.337C>G on transcript NM_000429.3 (MANE Select); coding-DNA position 337, C replaced by G.
Protein change: p.Gln113Glu; replaces glutamine 113 with glutamic acid.
Molecular consequence: missense variant.
Genome position (GRCh38, 1-based): chr10:80,280,748, G>C on the plus strand (C>G on the coding strand, the complement: MAT1A is on the minus strand). VCF-style: chr10-80280748-G-C. GRCh37 (hg19) VCF-style: chr10-82040504-G-C.
Other names: short protein forms Q113E.
Identifiers: ClinVar variation 1445662 (VCV001445662.6), dbSNP rs1841555994, ClinGen allele CA377363064.

ClinVar aggregate classification (germline): Uncertain significance (1 of 4 stars; one submission).

Conditions:
Hepatic methionine adenosyltransferase deficiency. Also called: Isolated Persistent Hypermethioninemia; MAT I/III DEFICIENCY; Methionine adenosyltransferase deficiency; Deficiency of methionine adenosyltransferase. Identifiers: Orphanet 168598, MedGen C0268621, MeSH C564683, MONDO:0009607, OMIM 250850.

Submission:

Labcorp Genetics (formerly Invitae), Labcorp
Classification: Uncertain significance for Hepatic methionine adenosyltransferase deficiency. Last evaluated: 2021-09-24. Review status: criteria provided, single submitter. Criteria: Invitae Variant Classification Sherloc (09022015). Collection method: clinical testing. Allele origin: germline.
Comment: In summary, the available evidence is currently insufficient to determine the role of this variant in disease. Therefore, it has been classified as a Variant of Uncertain Significance. Algorithms developed to predict the effect of missense changes on protein structure and function (SIFT, PolyPhen-2, Align-GVGD) all suggest that this variant is likely to be disruptive. This sequence change replaces glutamine with glutamic acid at codon 113 of the MAT1A protein (p.Gln113Glu). The glutamine residue is highly conserved and there is a small physicochemical difference between glutamine and glutamic acid. This variant is not present in population databases (ExAC no frequency). This variant has not been reported in the literature in individuals affected with MAT1A-related conditions.